The following is an entry in ClinVar:

ClinVar aggregate classification (germline): Uncertain significance (0 of 4 stars; one submission).

Conditions:
PLXNA1-related disorder. Also called: PLXNA1-related condition.

gnomAD v4.1: 1 of 1,613,080 alleles (0.000062%); highest among the groups gnomAD compares: Non-Finnish European, 0.000085%; no homozygotes.

Submission:

PreventionGenetics, part of Exact Sciences
Classification: Uncertain significance for PLXNA1-related condition. Last evaluated: 2024-03-07. Review status: no assertion criteria provided. Collection method: clinical testing. Allele origin: germline.
Comment: The PLXNA1 c.2053G>C variant is predicted to result in the amino acid substitution p.Val685Leu. To our knowledge, this variant has not been reported in the literature. This variant is reported in 0.00088% of alleles in individuals of European (Non-Finnish) descent in gnomAD. At this time, the clinical significance of this variant is uncertain due to the absence of conclusive functional and genetic evidence.

NM_032242.4(PLXNA1):c.2053G>C (p.Val685Leu)

Gene: PLXNA1 (plexin A1; plus strand). Cytogenetic location: 3q21.3.
Variant type: single nucleotide variant.
Coding change: c.2053G>C on transcript NM_032242.4 (MANE Select); coding-DNA position 2053, G replaced by C.
Protein change: p.Val685Leu; replaces valine 685 with leucine.
Molecular consequence: missense variant.
Genome position (GRCh38, 1-based): chr3:127,007,854, G>C. VCF-style: chr3-127007854-G-C. GRCh37 (hg19) VCF-style: chr3-126726697-G-C.
Other names: short protein forms V685L.
Identifiers: ClinVar variation 3349235 (VCV003349235.1).